The following is an entry in ClinVar:

NM_024753.5(TTC21B):c.3488T>A (p.Met1163Lys)

Gene: TTC21B (tetratricopeptide repeat domain 21B; minus strand). Cytogenetic location: 2q24.3.
Variant type: single nucleotide variant.
Coding change: c.3488T>A on transcript NM_024753.5 (MANE Select); coding-DNA position 3488, T replaced by A.
Protein change: p.Met1163Lys; replaces methionine 1163 with lysine.
Molecular consequence: missense variant.
Genome position (GRCh38, 1-based): chr2:165,883,990, A>T on the plus strand (T>A on the coding strand, the complement: TTC21B is on the minus strand). VCF-style: chr2-165883990-A-T. GRCh37 (hg19) VCF-style: chr2-166740500-A-T.
Other names: short protein forms M1163K.
Identifiers: ClinVar variation 1904528 (VCV001904528.6), dbSNP rs765617939, ClinGen allele CA1941485.

ClinVar aggregate classification (germline): Uncertain significance. Review status: criteria provided, multiple submitters, no conflicts (2 of 4 stars). 2 submissions from 2 submitters: Uncertain significance (2). Last evaluated 2024-02-24.

Conditions:
Inborn genetic diseases. Identifiers: MedGen C0950123, MeSH D030342.
Jeune thoracic dystrophy. Also called: Short-rib thoracic dysplasia; Jeune syndrome; Infantile thoracic dystrophy; Thoracic pelvic phalangeal dystrophy; Jeune's syndrome; Chondroectodermal dysplasia-like syndrome. Identifiers: Orphanet 474, MedGen C0265275, MONDO:0018770.
Nephronophthisis. Also called: Juvenile Nephronophthisis. Identifiers: Orphanet 655, MedGen C0687120, MONDO:0019005, HP:0000090.

Allele frequency attached by ClinVar (database versions not stated): gnomAD exomes below 0.00001; ExAC 0.00001.

Submissions (2):

Labcorp Genetics (formerly Invitae), Labcorp
Classification: Uncertain significance for Jeune thoracic dystrophy; Nephronophthisis. Last evaluated: 2024-02-24. Review status: criteria provided, single submitter. Criteria: Invitae Variant Classification Sherloc (09022015). Collection method: clinical testing. Allele origin: germline.
Comment: This sequence change replaces methionine, which is neutral and non-polar, with lysine, which is basic and polar, at codon 1163 of the TTC21B protein (p.Met1163Lys). This variant is present in population databases (rs765617939, gnomAD 0.0009%). This variant has not been reported in the literature in individuals affected with TTC21B-related conditions. ClinVar contains an entry for this variant (Variation ID: 1904528). Advanced modeling of protein sequence and biophysical properties (such as structural, functional, and spatial information, amino acid conservation, physicochemical variation, residue mobility, and thermodynamic stability) has been performed at Invitae for this missense variant, however the output from this modeling did not meet the statistical confidence thresholds required to predict the impact of this variant on TTC21B protein function. In summary, the available evidence is currently insufficient to determine the role of this variant in disease. Therefore, it has been classified as a Variant of Uncertain Significance.

Ambry Genetics
Classification: Uncertain significance for Inborn genetic diseases. Last evaluated: 2022-06-24. Review status: criteria provided, single submitter. Criteria: Ambry Variant Classification Scheme 2023. Collection method: clinical testing. Allele origin: germline.